The following is an entry in ClinVar:

NM_194456.1(KRIT1):c.*1530T>C

Gene: KRIT1 (KRIT1 ankyrin repeat containing; minus strand). Cytogenetic location: 7q21.2.
Variant type: single nucleotide variant.
Coding change: c.*1530T>C on transcript NM_194456.1; 1530 bases downstream of the stop codon, T replaced by C.
Molecular consequence: 3 prime UTR variant.
Genome position (GRCh38, 1-based): chr7:92,199,206, A>G on the plus strand (T>C on the coding strand, the complement: KRIT1 is on the minus strand). VCF-style: chr7-92199206-A-G. GRCh37 (hg19) VCF-style: chr7-91828520-A-G.
Other names: c.*1530T>C (NM_001013406.2, NM_001350669.1, NM_001350670.1 and 29 more transcripts).
Identifiers: ClinVar variation 912217 (VCV000912217.6), dbSNP rs75182503, ClinGen allele CA161928711.

ClinVar aggregate classification (germline): Benign/Likely benign. Review status: criteria provided, single submitter (1 of 4 stars). 2 submissions from 1 submitter: Benign (1); Likely benign (1). Last evaluated 2018-01-13.

Conditions:
Angiokeratoma corporis diffusum with arteriovenous fistulas. Identifiers: MedGen C1838141, MONDO:0010885, OMIM 600419.
Cerebral cavernous malformation (CCM). Also called: Cavernous Hemangioma of Brain; Cerebral cavernous malformations; CAVERNOUS ANGIOMA, FAMILIAL; CAVERNOUS ANGIOMATOUS MALFORMATIONS; CEREBRAL CAPILLARY MALFORMATIONS; Cerebral cavernous hemangioma (type). Identifiers: Orphanet 221061, MedGen C2919945, MONDO:0000820, OMIM 116860, HP:0033522.

Allele frequency attached by ClinVar (database versions not stated): TOPMed below 0.00001; 1000 Genomes Project 30x 0.00031; gnomAD 0.00001 and 0.00005; 1000 Genomes Project 0.00040.
gnomAD v4.1: 8 of 152,354 alleles (0.0053%); highest among the groups gnomAD compares: East Asian, 0.15%; no homozygotes.

Submissions (2):

Illumina Laboratory Services, Illumina
Classification: Benign for Angiokeratoma corporis diffusum with arteriovenous fistulas. Last evaluated: 2018-01-13. Review status: criteria provided, single submitter. Criteria: ICSL Variant Classification Criteria 13 December 2019. Collection method: clinical testing. Allele origin: germline.
Comment: This variant was observed in the ICSL laboratory as part of a predisposition screen in an ostensibly healthy population. It had not been previously curated by ICSL or reported in the Human Gene Mutation Database (HGMD: prior to June 1st, 2018), and was therefore a candidate for classification through an automated scoring system. Utilizing variant allele frequency, disease prevalence and penetrance estimates, and inheritance mode, an automated score was calculated to assess if this variant is too frequent to cause the disease. Based on the score and internal cut-off values, a variant classified as benign is not then subjected to further curation. The score for this variant resulted in a classification of benign for this disease.

Illumina Laboratory Services, Illumina
Classification: Likely benign for Cerebral cavernous malformation. Last evaluated: 2018-01-13. Review status: criteria provided, single submitter. Criteria: ICSL Variant Classification Criteria 13 December 2019. Collection method: clinical testing. Allele origin: germline.
Comment: This variant was observed in the ICSL laboratory as part of a predisposition screen in an ostensibly healthy population. It had not been previously curated by ICSL or reported in the Human Gene Mutation Database (HGMD: prior to June 1st, 2018), and was therefore a candidate for classification through an automated scoring system. Utilizing variant allele frequency, disease prevalence and penetrance estimates, and inheritance mode, an automated score was calculated to assess if this variant is too frequent to cause the disease. Based on the score and internal cut-off values, a variant classified as likely benign is not then subjected to further curation. The score for this variant resulted in a classification of likely benign for this disease.